The following is an entry in ClinVar:

NM_177438.3(DICER1):c.3979A>G (p.Ile1327Val)

Gene: DICER1 (dicer 1, ribonuclease III; minus strand). Cytogenetic location: 14q32.13.
Variant type: single nucleotide variant.
Coding change: c.3979A>G on transcript NM_177438.3 (MANE Select); coding-DNA position 3979, A replaced by G.
Protein change: p.Ile1327Val; replaces isoleucine 1327 with valine.
Molecular consequence: missense variant. On other transcripts: non-coding transcript variant (6).
Genome position (GRCh38, 1-based): chr14:95,103,417, T>C on the plus strand (A>G on the coding strand, the complement: DICER1 is on the minus strand). VCF-style: chr14-95103417-T-C. GRCh37 (hg19) VCF-style: chr14-95569754-T-C.
Other names: c.3979A>G, p.Ile1327Val (NM_001195573.1, NM_001271282.3, NM_001291628.2 and 13 more transcripts); c.3697A>G, p.Ile1233Val (NM_001395686.1); c.3574A>G, p.Ile1192Val (NM_001395687.1, NM_001395688.1, NM_001395689.1 and 2 more transcripts); c.3412A>G, p.Ile1138Val (NM_001395691.1); c.2296A>G, p.Ile766Val (NM_001395697.1); short protein forms I1138V, I1192V, I1233V, I1327V, I766V.
Identifiers: ClinVar variation 1717156 (VCV001717156.7), dbSNP rs2139955066, ClinGen allele CA390873034.

ClinVar aggregate classification (germline): Uncertain significance. Review status: criteria provided, multiple submitters, no conflicts (2 of 4 stars). 2 submissions from 2 submitters: Uncertain significance (2). Last evaluated 2026-07-06.

Conditions:
Hereditary cancer-predisposing syndrome. Also called: Tumor predisposition; Hereditary neoplastic syndrome; Neoplastic Syndromes, Hereditary; Hereditary Cancer Syndrome. Identifiers: Orphanet 140162, MedGen C0027672, MeSH D009386, MONDO:0015356.
DICER1-related tumor predisposition. Also called: DICER1-related pleuropulmonary blastoma cancer predisposition syndrome; DICER1 syndrome. Identifiers: Orphanet 284343, MedGen C3839822, MONDO:0100216.

Allele frequency attached by ClinVar (database versions not stated): gnomAD exomes below 0.00001.

Submissions (2):

Ambry Genetics
Classification: Uncertain significance for Hereditary cancer-predisposing syndrome. Last evaluated: 2026-07-06. Review status: criteria provided, single submitter. Criteria: Ambry Variant Classification Scheme 2023. Collection method: clinical testing. Allele origin: germline.
Comment: The p.I1327V variant (also known as c.3979A>G), located in coding exon 20 of the DICER1 gene, results from an A to G substitution at nucleotide position 3979. The isoleucine at codon 1327 is replaced by valine, an amino acid with highly similar properties. This amino acid position is conserved. In addition, the in silico prediction for this alteration is inconclusive. Based on the available evidence, the clinical significance of this variant remains unclear.

Labcorp Genetics (formerly Invitae), Labcorp
Classification: Uncertain significance for DICER1-related tumor predisposition. Last evaluated: 2024-05-20. Review status: criteria provided, single submitter. Criteria: Invitae Variant Classification Sherloc (09022015). Collection method: clinical testing. Allele origin: germline.
Comment: This sequence change replaces isoleucine, which is neutral and non-polar, with valine, which is neutral and non-polar, at codon 1327 of the DICER1 protein (p.Ile1327Val). This variant is not present in population databases (gnomAD no frequency). This variant has not been reported in the literature in individuals affected with DICER1-related conditions. ClinVar contains an entry for this variant (Variation ID: 1717156). Advanced modeling of protein sequence and biophysical properties (such as structural, functional, and spatial information, amino acid conservation, physicochemical variation, residue mobility, and thermodynamic stability) performed at Invitae indicates that this missense variant is not expected to disrupt DICER1 protein function with a negative predictive value of 80%. In summary, the available evidence is currently insufficient to determine the role of this variant in disease. Therefore, it has been classified as a Variant of Uncertain Significance.